The following is an entry in ClinVar:

ClinVar aggregate classification (germline): Uncertain significance (1 of 4 stars; one submission).

Conditions:
Werner syndrome (WRN). Identifiers: Orphanet 902, MedGen C0043119, MONDO:0010196, OMIM 277700.

Submission:

Labcorp Genetics (formerly Invitae), Labcorp
Classification: Uncertain significance for Werner syndrome. Last evaluated: 2019-04-17. Review status: criteria provided, single submitter. Criteria: Invitae Variant Classification Sherloc (09022015). Collection method: clinical testing. Allele origin: germline.
Comment: Algorithms developed to predict the effect of sequence changes on RNA splicing suggest that this variant may create or strengthen a splice site, but this prediction has not been confirmed by published transcriptional studies. In summary, the available evidence is currently insufficient to determine the role of this variant in disease. Therefore, it has been classified as a Variant of Uncertain Significance. Algorithms developed to predict the effect of missense changes on protein structure and function (SIFT, PolyPhen-2, Align-GVGD) all suggest that this variant is likely to be disruptive, but these predictions have not been confirmed by published functional studies and their clinical significance is uncertain. This sequence change replaces glycine with valine at codon 1047 of the WRN protein (p.Gly1047Val). The glycine residue is highly conserved and there is a moderate physicochemical difference between glycine and valine. This variant is not present in population databases (ExAC no frequency). This variant has not been reported in the literature in individuals with WRN-related conditions.

NM_000553.6(WRN):c.3140G>T (p.Gly1047Val)

Gene: WRN (WRN RecQ like helicase; plus strand). Cytogenetic location: 8p12.
Variant type: single nucleotide variant.
Coding change: c.3140G>T on transcript NM_000553.6 (MANE Select); coding-DNA position 3140, G replaced by T.
Protein change: p.Gly1047Val; replaces glycine 1047 with valine.
Molecular consequence: missense variant.
Genome position (GRCh38, 1-based): chr8:31,141,682, G>T. VCF-style: chr8-31141682-G-T. GRCh37 (hg19) VCF-style: chr8-30999198-G-T.
Other names: short protein forms G1047V.
Identifiers: ClinVar variation 946047 (VCV000946047.5), dbSNP rs1802642530, ClinGen allele CA370922797.